The following is an entry in ClinVar:

ClinVar aggregate classification (germline): Uncertain significance (1 of 4 stars; one submission).

Submission:

GeneDx
Classification: Uncertain significance. Last evaluated: 2025-02-13. Review status: criteria provided, single submitter. Criteria: GeneDx Variant Classification Process June 2021. Collection method: clinical testing. Allele origin: germline. Affected: yes.
Comment: Not observed at significant frequency in large population cohorts (gnomAD); In silico analysis supports that this missense variant has a deleterious effect on protein structure/function; Has not been previously published as pathogenic or benign to our knowledge

NM_018006.5(TRMU):c.998T>G (p.Phe333Cys)

Gene: TRMU (tRNA mitochondrial 2-thiouridylase; plus strand). Cytogenetic location: 22q13.31.
Variant type: single nucleotide variant.
Coding change: c.998T>G on transcript NM_018006.5 (MANE Select); coding-DNA position 998, T replaced by G.
Protein change: p.Phe333Cys; replaces phenylalanine 333 with cysteine.
Molecular consequence: missense variant. On other transcripts: non-coding transcript variant (2).
Genome position (GRCh38, 1-based): chr22:46,355,568, T>G. VCF-style: chr22-46355568-T-G. GRCh37 (hg19) VCF-style: chr22-46751465-T-G.
Other names: c.656T>G, p.Phe219Cys (NM_001282782.2); c.578T>G, p.Phe193Cys (NM_001282783.2, NM_001282784.2); c.998T>G, p.Phe333Cys (NM_001282785.2); short protein forms F193C, F219C, F333C.
Identifiers: ClinVar variation 4076670 (VCV004076670.1).